The following is an entry in ClinVar:

ClinVar aggregate classification (germline): Conflicting classifications of pathogenicity. Review status: criteria provided, conflicting classifications (1 of 4 stars). 2 submissions from 2 submitters: Uncertain significance (1); Likely benign (1). Last evaluated 2024-09-27.

Conditions:
Inborn genetic diseases. Identifiers: MedGen C0950123, MeSH D030342.

Allele frequency attached by ClinVar (database versions not stated): gnomAD exomes below 0.00001.
gnomAD v4.1: 2 of 1,597,146 alleles (0.00013%); highest among the groups gnomAD compares: East Asian, 0.0045%; no homozygotes.

Submissions (2):

Labcorp Genetics (formerly Invitae), Labcorp
Classification: Likely benign. Last evaluated: 2024-09-27. Review status: criteria provided, single submitter. Criteria: Invitae Variant Classification Sherloc (09022015). Collection method: clinical testing. Allele origin: germline.

Ambry Genetics
Classification: Uncertain significance for Inborn genetic diseases. Last evaluated: 2020-12-10. Review status: criteria provided, single submitter. Criteria: Ambry Variant Classification Scheme 2023. Collection method: clinical testing. Allele origin: germline.
Comment: The c.1466-6C>T intronic alteration consists of a C to T substitution 6 nucleotides before exon 9 (coding exon 9) in the GPC6 gene. Based on insufficient or conflicting evidence, the clinical significance of this alteration remains unclear.

NM_005708.5(GPC6):c.1466-6C>T

Gene: GPC6 (glypican 6; plus strand). Cytogenetic location: 13q32.1.
Variant type: single nucleotide variant.
Coding change: c.1466-6C>T on transcript NM_005708.5 (MANE Select); 6 bases into the intron before coding-DNA position 1466, C replaced by T.
Molecular consequence: intron variant.
Genome position (GRCh38, 1-based): chr13:94,403,009, C>T. VCF-style: chr13-94403009-C-T. GRCh37 (hg19) VCF-style: chr13-95055263-C-T.
Identifiers: ClinVar variation 2222348 (VCV002222348.4), dbSNP rs2501425559, ClinGen allele CA2580087764.